The following is an entry in ClinVar:

ClinVar aggregate classification (germline): Uncertain significance (1 of 4 stars; one submission).

Conditions:
NR1H4-related disorder. Also called: NR1H4-related condition.

gnomAD v4.1: 8 of 1,614,218 alleles (0.0005%); highest among the groups gnomAD compares: South Asian, 0.0033%; no homozygotes.

Submission:

PreventionGenetics, part of Exact Sciences
Classification: Uncertain significance for NR1H4-related condition. Last evaluated: 2024-10-30. Review status: criteria provided, single submitter. Criteria: ACMG Guidelines, 2015. Collection method: clinical testing. Allele origin: germline.
Comment: The NR1H4 c.689G>A variant is predicted to result in the amino acid substitution p.Arg230Gln. To our knowledge, this variant has not been reported in the literature. This variant is reported in 0.0098% of alleles in individuals of South Asian descent in gnomAD. At this time, the clinical significance of this variant is uncertain due to the absence of conclusive functional and genetic evidence.

NM_001206979.2(NR1H4):c.701G>A (p.Arg234Gln)

Gene: NR1H4 (nuclear receptor subfamily 1 group H member 4; plus strand). Cytogenetic location: 12q23.1.
Variant type: single nucleotide variant.
Coding change: c.701G>A on transcript NM_001206979.2 (MANE Select); coding-DNA position 701, G replaced by A.
Protein change: p.Arg234Gln; replaces arginine 234 with glutamine.
Molecular consequence: missense variant. On other transcripts: non-coding transcript variant (1).
Genome position (GRCh38, 1-based): chr12:100,534,992, G>A. VCF-style: chr12-100534992-G-A. GRCh37 (hg19) VCF-style: chr12-100928770-G-A.
Other names: c.701G>A, p.Arg234Gln (NM_001206977.2); c.548G>A, p.Arg183Gln (NM_001206978.2); c.719G>A, p.Arg240Gln (NM_001206992.2); c.731G>A, p.Arg244Gln (NM_001206993.2); c.689G>A, p.Arg230Gln (NM_005123.4); short protein forms R244Q, R183Q, R230Q, R240Q, R234Q.
Identifiers: ClinVar variation 4984722 (VCV004984722.1).